The following is an entry in ClinVar:

ClinVar aggregate classification (germline): Uncertain significance. Review status: criteria provided, multiple submitters, no conflicts (2 of 4 stars). 3 submissions from 3 submitters: Uncertain significance (3). Last evaluated 2025-02-14.

Conditions:
Inborn genetic diseases. Identifiers: MedGen C0950123, MeSH D030342.

Allele frequency attached by ClinVar (database versions not stated): gnomAD 0.00002 and 0.00003; TOPMed 0.00006.
gnomAD v4.1: 3 of 1,206,103 alleles (0.00025%); highest among the groups gnomAD compares: Admixed American, 0.0044%; no homozygotes.

Submissions (3):

Labcorp Genetics (formerly Invitae), Labcorp
Classification: Uncertain significance. Last evaluated: 2025-02-14. Review status: criteria provided, single submitter. Criteria: Invitae Variant Classification Sherloc (09022015). Collection method: clinical testing. Allele origin: germline.
Comment: This sequence change replaces threonine, which is neutral and polar, with methionine, which is neutral and non-polar, at codon 1520 of the CACNA1F protein (p.Thr1520Met). This variant is present in population databases (no rsID available, gnomAD no frequency). This variant has not been reported in the literature in individuals affected with CACNA1F-related conditions. ClinVar contains an entry for this variant (Variation ID: 1448240). Invitae Evidence Modeling of protein sequence and biophysical properties (such as structural, functional, and spatial information, amino acid conservation, physicochemical variation, residue mobility, and thermodynamic stability) indicates that this missense variant is not expected to disrupt CACNA1F protein function with a negative predictive value of 80%. In summary, the available evidence is currently insufficient to determine the role of this variant in disease. Therefore, it has been classified as a Variant of Uncertain Significance.

Ambry Genetics
Classification: Uncertain significance for Inborn genetic diseases. Last evaluated: 2023-12-17. Review status: criteria provided, single submitter. Criteria: Ambry Variant Classification Scheme 2023. Collection method: clinical testing. Allele origin: germline.

Blueprint Genetics
Classification: Uncertain significance. Last evaluated: 2022-06-07. Review status: criteria provided, single submitter. Criteria: ACMG Guidelines, 2015. Collection method: clinical testing. Allele origin: germline.

NM_001256789.3(CACNA1F):c.4526C>T (p.Thr1509Met)

Genes: CACNA1F (calcium voltage-gated channel subunit alpha1 F; minus strand), LOC126863257 (BRD4-independent group 4 enhancer GRCh37_chrX:49065732-49066931; plus strand). Cytogenetic location: Xp11.23.
Variant type: single nucleotide variant.
Coding change: c.4526C>T on transcript NM_001256789.3 (MANE Select); coding-DNA position 4526, C replaced by T.
Protein change: p.Thr1509Met; replaces threonine 1509 with methionine.
Molecular consequence: missense variant.
Genome position (GRCh38, 1-based): chrX:49,210,363, G>A on the plus strand (C>T on the coding strand, the complement: CACNA1F is on the minus strand). VCF-style: chrX-49210363-G-A. GRCh37 (hg19) VCF-style: chrX-49066823-G-A.
Other names: c.4364C>T, p.Thr1455Met (NM_001256790.3); c.4559C>T, p.Thr1520Met (NM_005183.4); c.4559C>T (NM_005183.2); short protein forms T1520M, T1509M, T1455M.
Identifiers: ClinVar variation 1448240 (VCV001448240.10), dbSNP rs1192061637, ClinGen allele CA412960812.